The following is an entry in ClinVar:

ClinVar aggregate classification (germline): Likely pathogenic (1 of 4 stars; one submission).

Conditions:
Charlevoix-Saguenay spastic ataxia (SACS). Also called: SPASTIC ATAXIA 6, AUTOSOMAL RECESSIVE; AUTOSOMAL RECESSIVE SPASTIC ATAXIA OF CHARLEVOIX-SAGUENAY; Spastic ataxia of Charlevoix-Saguenay. Identifiers: Orphanet 98, MedGen C1849140, MONDO:0010041, OMIM 270550.

Submission:

Myriad Genetics, Inc.
Classification: Likely pathogenic for Charlevoix-Saguenay spastic ataxia. Last evaluated: 2022-03-14. Review status: criteria provided, single submitter. Criteria: Myriad Women's Health Autosomal Recessive and X-Linked Classification Criteria (2021). Collection method: clinical testing. Allele origin: unknown.
Comment: NM_014363.4(SACS):c.497delC(P166Qfs*10) is expected to be pathogenic in the context of autosomal recessive spastic ataxia of Charlevoix-Saguenay. This variant is predicted to lead to an abnormal or absent protein product due to the creation of a premature termination codon in SACS, a gene where loss-of-function variants are known to be pathogenic. Please note: this variant was assessed in the context of healthy population screening.

NM_014363.6(SACS):c.497del (p.Pro166fs)

Gene: SACS (sacsin molecular chaperone; minus strand). Cytogenetic location: 13q12.12.
Variant type: Deletion.
Coding change: c.497del on transcript NM_014363.6 (MANE Select); coding-DNA position 497, one base deleted (C; older notation c.497delC).
Protein change: p.Pro166fs; shifts the reading frame from proline 166.
Molecular consequence: frameshift variant.
Genome position (GRCh38, 1-based): chr13:23,358,442, G deleted on the plus strand (C on the coding strand, the reverse complement: SACS is on the minus strand); the first of 4 consecutive G bases (chr13:23,358,442-23,358,445); deleting any one gives the same sequence. VCF-style (leftmost placement, unchanged base first): chr13-23358441-TG-T. GRCh37 (hg19) VCF-style: chr13-23932580-TG-T.
Other names: c.56del, p.Pro19fs (NM_001278055.2); short protein forms P166fs, P19fs.
Identifiers: ClinVar variation 1725224 (VCV001725224.2), dbSNP rs2542415834, ClinGen allele CA2580086883.